The following is an entry in ClinVar:

ClinVar aggregate classification (germline): Conflicting classifications of pathogenicity. Review status: criteria provided, conflicting classifications (1 of 4 stars). 7 submissions from 7 submitters: Uncertain significance (3); Likely benign (4). Last evaluated 2026-01-23.

Conditions:
Usher syndrome type 2C. Also called: Usher syndrome, type 2B; USHER SYNDROME, TYPE IIC. Identifiers: Orphanet 231178, Orphanet 886, MedGen C2931213, MONDO:0011558, OMIM 605472.

Allele frequency attached by ClinVar (database versions not stated): gnomAD exomes 0.00012 and 0.00034; ExAC 0.00063; ESP Exome Variant Server 0.00103; gnomAD 0.00114 and 0.00119; TOPMed 0.00128; 1000 Genomes Project 0.00160; 1000 Genomes Project 30x 0.00187.
gnomAD v4.1: 343 of 1,411,216 alleles (0.024%); highest among the groups gnomAD compares: African/African-American, 0.38%; 1 homozygote.

Submissions (7):

Labcorp Genetics (formerly Invitae), Labcorp
Classification: Likely benign. Last evaluated: 2026-01-23. Review status: criteria provided, single submitter. Criteria: Invitae Variant Classification Sherloc (09022015). Collection method: clinical testing. Allele origin: germline.

Blueprint Genetics
Classification: Likely benign. Last evaluated: 2024-09-02. Review status: criteria provided, single submitter. Criteria: ACMG Guidelines, 2015. Collection method: clinical testing. Allele origin: germline.

GeneDx
Classification: Likely benign. Last evaluated: 2020-11-30. Review status: criteria provided, single submitter. Criteria: GeneDx Variant Classification Process June 2021. Collection method: clinical testing. Allele origin: germline. Affected: yes.

Athena Diagnostics
Classification: Uncertain significance. Last evaluated: 2018-09-30. Review status: criteria provided, single submitter. Criteria: Athena Diagnostics Criteria. Collection method: clinical testing. Allele origin: germline.

Eurofins Ntd Llc (ga)
Classification: Uncertain significance. Last evaluated: 2018-05-29. Review status: criteria provided, single submitter. Criteria: EGL ClinVar v180209 classification definitions. Collection method: clinical testing. Allele origin: germline. Observed: 1 variant allele, 1 heterozygote.

Illumina Laboratory Services, Illumina
Classification: Uncertain significance for Usher syndrome type 2C. Last evaluated: 2018-01-13. Review status: criteria provided, single submitter. Criteria: ICSL Variant Classification Criteria 13 December 2019. Collection method: clinical testing. Allele origin: germline.

Laboratory for Molecular Medicine, Mass General Brigham Personalized Medicine
Classification: Likely benign. Last evaluated: 2012-04-30. Review status: criteria provided, single submitter. Criteria: LMM Criteria. Collection method: clinical testing. Allele origin: germline. Observed: 1 variant allele.
Comment: 207+3A>G in Intron 02 of GPR98: This variant is not expected to have clinical si gnificance because it has been identified in 0.4% (11/2880) of African American chromosomes from a broad population by the NHLBI Exome Sequencing Project (dbSNP rs142356935).

NM_032119.4(ADGRV1):c.207+3A>G

Gene: ADGRV1 (adhesion G protein-coupled receptor V1; plus strand). Cytogenetic location: 5q14.3.
Variant type: single nucleotide variant.
Coding change: c.207+3A>G on transcript NM_032119.4 (MANE Select); 3 bases into the intron after coding-DNA position 207, A replaced by G.
Molecular consequence: intron variant.
Genome position (GRCh38, 1-based): chr5:90,615,022, A>G. VCF-style: chr5-90615022-A-G. GRCh37 (hg19) VCF-style: chr5-89910839-A-G.
Identifiers: ClinVar variation 178353 (VCV000178353.27), dbSNP rs142356935, ClinGen allele CA182162.